The following is an entry in ClinVar:

NM_024870.4(PREX2):c.4521G>A (p.Gly1507=)

Gene: PREX2 (phosphatidylinositol-3,4,5-trisphosphate dependent Rac exchange factor 2; plus strand). Cytogenetic location: 8q13.2.
Variant type: single nucleotide variant.
Coding change: c.4521G>A on transcript NM_024870.4 (MANE Select); coding-DNA position 4521, G replaced by A.
Protein change: p.Gly1507=; no amino-acid change (glycine 1507 retained).
Molecular consequence: synonymous variant.
Genome position (GRCh38, 1-based): chr8:68,192,442, G>A. VCF-style: chr8-68192442-G-A. GRCh37 (hg19) VCF-style: chr8-69104677-G-A.
Identifiers: ClinVar variation 3043990 (VCV003043990.2), dbSNP rs138983574, ClinGen allele CA4774813.
Genomic context (GRCh38, chr8:68,192,442, plus strand): 5'-CTCGTTTATCAGATCCAAGCGCACAGCTGCCTGTGCAAACACAGCTTGCAGTGCTTCTGG[G>A]GTTGGACTGCTGTCAGTTTCCTCGGAGCTGTGCAACAGGCTGGGCGCCTGCCACATCATC-3'
Protein context (NP_079146.2, residues 1497-1517): ACANTACSAS[Gly1507=]VGLLSVSSEL

ClinVar aggregate classification (germline): Likely benign (0 of 4 stars; one submission).

Conditions:
PREX2-related disorder. Also called: PREX2-related condition.

Allele frequency attached by ClinVar (database versions not stated): 1000 Genomes Project 0.00060; TOPMed 0.00063; ESP Exome Variant Server 0.00077; 1000 Genomes Project 30x 0.00078; gnomAD 0.00114; ExAC 0.00172.
gnomAD v4.1: 1,964 of 1,614,032 alleles (0.12%); highest among the groups gnomAD compares: South Asian, 0.48%; 15 homozygotes.

Submission:

PreventionGenetics, part of Exact Sciences
Classification: Likely benign for PREX2-related condition. Last evaluated: 2019-02-22. Review status: no assertion criteria provided. Collection method: clinical testing. Allele origin: germline.
Comment: This variant is classified as likely benign based on ACMG/AMP sequence variant interpretation guidelines (Richards et al. 2015 PMID: 25741868, with internal and published modifications).